The following is an entry in ClinVar:

ClinVar aggregate classification (germline): Uncertain significance (1 of 4 stars; one submission).

Conditions:
Inborn genetic diseases. Identifiers: MedGen C0950123, MeSH D030342.

Allele frequency attached by ClinVar (database versions not stated): gnomAD exomes below 0.00001.
gnomAD v4.1: 1 of 1,210,276 alleles (0.000083%); highest among the groups gnomAD compares: Non-Finnish European, 0.00011%; no homozygotes.

Submission:

Ambry Genetics
Classification: Uncertain significance for Inborn genetic diseases. Last evaluated: 2018-05-08. Review status: criteria provided, single submitter. Criteria: Ambry Variant Classification Scheme 2023. Collection method: clinical testing. Allele origin: germline.
Comment: The p.S1944R variant (also known as c.5832T>A), located in coding exon 25 of the ATRX gene, results from a T to A substitution at nucleotide position 5832. The serine at codon 1944 is replaced by arginine, an amino acid with dissimilar properties. This amino acid position is well conserved in available vertebrate species. In addition, the in silico prediction for this alteration is inconclusive. Since supporting evidence is limited at this time, the clinical significance of this alteration remains unclear.

NM_000489.6(ATRX):c.5832T>A (p.Ser1944Arg)

Gene: ATRX (ATRX chromatin remodeler; minus strand). Cytogenetic location: Xq21.1.
Variant type: single nucleotide variant.
Coding change: c.5832T>A on transcript NM_000489.6 (MANE Select); coding-DNA position 5832, T replaced by A.
Protein change: p.Ser1944Arg; replaces serine 1944 with arginine.
Molecular consequence: missense variant.
Genome position (GRCh38, 1-based): chrX:77,599,535, A>T on the plus strand (T>A on the coding strand, the complement: ATRX is on the minus strand). VCF-style: chrX-77599535-A-T. GRCh37 (hg19) VCF-style: chrX-76855004-A-T.
Other names: c.5718T>A, p.Ser1906Arg (NM_138270.5); short protein forms S1906R, S1944R.
Identifiers: ClinVar variation 985288 (VCV000985288.3), dbSNP rs2066591709, ClinGen allele CA413697762.